The following is an entry in ClinVar:

NM_000232.5(SGCB):c.17C>T (p.Ala6Val)

Genes: SGCB (sarcoglycan beta; minus strand), LOC129992585 (ATAC-STARR-seq lymphoblastoid silent region 15421; plus strand). Cytogenetic location: 4q12.
Variant type: single nucleotide variant.
Coding change: c.17C>T on transcript NM_000232.5 (MANE Select); coding-DNA position 17, C replaced by T.
Protein change: p.Ala6Val; replaces alanine 6 with valine.
Molecular consequence: missense variant.
Genome position (GRCh38, 1-based): chr4:52,038,243, G>A on the plus strand (C>T on the coding strand, the complement: SGCB is on the minus strand). VCF-style: chr4-52038243-G-A. GRCh37 (hg19) VCF-style: chr4-52904409-G-A.
Other names: short protein forms A6V.
Identifiers: ClinVar variation 665910 (VCV000665910.12), dbSNP rs1414363052, ClinGen allele CA356878698.

ClinVar aggregate classification (germline): Uncertain significance. Review status: criteria provided, multiple submitters, no conflicts (2 of 4 stars). 3 submissions from 3 submitters: Uncertain significance (2). 1 of the submissions does not count toward it. Last evaluated 2026-05-27.

Conditions:
Autosomal recessive limb-girdle muscular dystrophy type 2E (LGMDR4). Also called: MUSCULAR DYSTROPHY, LIMB-GIRDLE, AUTOSOMAL RECESSIVE 4. Identifiers: Orphanet 119, MedGen C1858593, MONDO:0011423, OMIM 604286. Disease mechanism: Affects gamma-sarcoglycan and also disrupts the integrity of the entire sarcoglycan complex..

Allele frequency attached by ClinVar (database versions not stated): TOPMed 0.00001.

Submissions (3):

Myriad Genetics, Inc.
Classification: Uncertain significance for Autosomal recessive limb-girdle muscular dystrophy type 2E. Last evaluated: 2026-05-27. Review status: criteria provided, single submitter. Criteria: Myriad Autosomal Dominant, Autosomal Recessive and X-Linked Classification Criteria (2023). Collection method: clinical testing. Allele origin: unknown.
Comment: NM_000232.4(SGCB):c.17C>T(A6V) is a missense variant classified as a variant of uncertain significance in the context of beta-sarcoglycanopathy. A6V has been observed in a case with relevant disease (PMID: 39678382). Relevant functional assessments of this variant are available in the literature (PMID: 37317698). A6V has not been observed in referenced population frequency databases. In summary, there is insufficient evidence to classify NM_000232.4(SGCB):c.17C>T(A6V) as pathogenic or benign. Please note: this variant was assessed in the context of healthy population screening.

Labcorp Genetics (formerly Invitae), Labcorp
Classification: Uncertain significance for Autosomal recessive limb-girdle muscular dystrophy type 2E. Last evaluated: 2024-08-21. Review status: criteria provided, single submitter. Criteria: Invitae Variant Classification Sherloc (09022015). Collection method: clinical testing. Allele origin: germline.
Comment: This sequence change replaces alanine, which is neutral and non-polar, with valine, which is neutral and non-polar, at codon 6 of the SGCB protein (p.Ala6Val). This variant is not present in population databases (gnomAD no frequency). This variant has not been reported in the literature in individuals affected with SGCB-related conditions. ClinVar contains an entry for this variant (Variation ID: 665910). Experimental studies and prediction algorithms are not available or were not evaluated, and the functional significance of this variant is currently unknown. In summary, the available evidence is currently insufficient to determine the role of this variant in disease. Therefore, it has been classified as a Variant of Uncertain Significance.

Natera, Inc.
Classification: Uncertain significance for Limb-girdle muscular dystrophy type 2E. Last evaluated: 2021-10-11. Review status: no assertion criteria provided. Collection method: clinical testing. Allele origin: germline. Not counted in ClinVar's aggregate classification.

Literature cited by the submitters: PubMed 37317698 (cited by Myriad Genetics, Inc.); PubMed 39678382 (cited by Myriad Genetics, Inc.).